The following is an entry in ClinVar:

NM_172351.3(CD46):c.278C>T (p.Ala93Val)

Gene: CD46 (CD46 molecule; plus strand). Cytogenetic location: 1q32.2.
Variant type: single nucleotide variant.
Coding change: c.278C>T on transcript NM_172351.3 (MANE Select); coding-DNA position 278, C replaced by T.
Protein change: p.Ala93Val; replaces alanine 93 with valine.
Molecular consequence: missense variant.
Genome position (GRCh38, 1-based): chr1:207,757,194, C>T. VCF-style: chr1-207757194-C-T. GRCh37 (hg19) VCF-style: chr1-207930539-C-T.
Other names: c.278C>T, p.Ala93Val (NM_002389.4, NM_153826.4, NM_172350.3 and 8 more transcripts); short protein forms A93V.
Identifiers: ClinVar variation 2995268 (VCV002995268.3), dbSNP rs2526403341, ClinGen allele CA344548298.

ClinVar aggregate classification (germline): Uncertain significance (1 of 4 stars; one submission).

Allele frequency attached by ClinVar (database versions not stated): gnomAD exomes below 0.00001.
gnomAD v4.1: 1 of 1,613,018 alleles (0.000062%); highest among the groups gnomAD compares: Non-Finnish European, 0.000085%; no homozygotes.

Submission:

Labcorp Genetics (formerly Invitae), Labcorp
Classification: Uncertain significance. Last evaluated: 2023-09-22. Review status: criteria provided, single submitter. Criteria: Invitae Variant Classification Sherloc (09022015). Collection method: clinical testing. Allele origin: germline.
Comment: This sequence change replaces alanine, which is neutral and non-polar, with valine, which is neutral and non-polar, at codon 93 of the CD46 protein (p.Ala93Val). This variant is not present in population databases (gnomAD no frequency). This variant has not been reported in the literature in individuals affected with CD46-related conditions. Advanced modeling of protein sequence and biophysical properties (such as structural, functional, and spatial information, amino acid conservation, physicochemical variation, residue mobility, and thermodynamic stability) performed at Invitae indicates that this missense variant is not expected to disrupt CD46 protein function. In summary, the available evidence is currently insufficient to determine the role of this variant in disease. Therefore, it has been classified as a Variant of Uncertain Significance.